The following is an entry in ClinVar:

ClinVar aggregate classification (germline): Uncertain significance (1 of 4 stars; one submission).

Conditions:
Dilated cardiomyopathy 1JJ (CMD1JJ). Identifiers: Orphanet 154, MedGen C3808935, MONDO:0014095, OMIM 615235.

Allele frequency attached by ClinVar (database versions not stated): gnomAD exomes 0.00001.

Submission:

Labcorp Genetics (formerly Invitae), Labcorp
Classification: Uncertain significance for Dilated cardiomyopathy 1JJ. Last evaluated: 2022-11-24. Review status: criteria provided, single submitter. Criteria: Invitae Variant Classification Sherloc (09022015). Collection method: clinical testing. Allele origin: germline.
Comment: In summary, the available evidence is currently insufficient to determine the role of this variant in disease. Therefore, it has been classified as a Variant of Uncertain Significance. Algorithms developed to predict the effect of missense changes on protein structure and function output the following: SIFT: "Tolerated"; PolyPhen-2: "Benign"; Align-GVGD: "Class C0". The arginine amino acid residue is found in multiple mammalian species, which suggests that this missense change does not adversely affect protein function. This variant has not been reported in the literature in individuals affected with LAMA4-related conditions. This variant is not present in population databases (gnomAD no frequency). This sequence change replaces isoleucine, which is neutral and non-polar, with arginine, which is basic and polar, at codon 234 of the LAMA4 protein (p.Ile234Arg).

NM_001105206.3(LAMA4):c.701T>G (p.Ile234Arg)

Gene: LAMA4 (laminin subunit alpha 4; minus strand). Cytogenetic location: 6q21.
Variant type: single nucleotide variant.
Coding change: c.701T>G on transcript NM_001105206.3 (MANE Select); coding-DNA position 701, T replaced by G.
Protein change: p.Ile234Arg; replaces isoleucine 234 with arginine.
Molecular consequence: missense variant.
Genome position (GRCh38, 1-based): chr6:112,191,653, A>C on the plus strand (T>G on the coding strand, the complement: LAMA4 is on the minus strand). VCF-style: chr6-112191653-A-C. GRCh37 (hg19) VCF-style: chr6-112512855-A-C.
Other names: c.701T>G, p.Ile234Arg (NM_001105207.3, NM_002290.5); short protein forms I234R.
Identifiers: ClinVar variation 2724592 (VCV002724592.3), dbSNP rs1783126912, ClinGen allele CA365377795.